The following is an entry in ClinVar:

NM_001904.4(CTNNB1):c.1759C>T (p.Arg587Ter)

Gene: CTNNB1 (catenin beta 1; plus strand). Cytogenetic location: 3p22.1.
Variant type: single nucleotide variant.
Coding change: c.1759C>T on transcript NM_001904.4 (MANE Select); coding-DNA position 1759, C replaced by T.
Protein change: p.Arg587Ter; replaces arginine 587 with a stop codon.
Molecular consequence: nonsense.
Genome position (GRCh38, 1-based): chr3:41,235,799, C>T. VCF-style: chr3-41235799-C-T. GRCh37 (hg19) VCF-style: chr3-41277290-C-T.
Other names: c.1759C>T, p.Arg587Ter (NM_001098209.2, NM_001098210.2); c.1738C>T, p.Arg580Ter (NM_001330729.2); short protein forms R587*, R580*.
Identifiers: ClinVar variation 423482 (VCV000423482.16), dbSNP rs1064796453, ClinGen allele CA16617967.

ClinVar aggregate classification (germline): Pathogenic/Likely pathogenic. Review status: criteria provided, multiple submitters, no conflicts (2 of 4 stars). 8 submissions from 8 submitters: Pathogenic (6); Likely pathogenic (1). 1 of the submissions does not count toward it. Last evaluated 2023-12-21.

Conditions:
Inborn genetic diseases. Identifiers: MedGen C0950123, MeSH D030342.
Severe intellectual disability-progressive spastic diplegia syndrome (NEDSDV). Also called: NEURODEVELOPMENTAL DISORDER WITH SPASTIC DIPLEGIA AND VISUAL DEFECTS; CTNNB1 Neurodevelopmental Disorder. Identifiers: Orphanet 404473, MedGen C3554449, MONDO:0014035, OMIM 615075.
Intellectual disability. Also called: Intellectual developmental disorder; Intellectual functioning disability; intellectual disabilities. Identifiers: MedGen C3714756, MeSH D008607, MONDO:0001071, HP:0001249.

Submissions (8):

Victorian Clinical Genetics Services, Murdoch Childrens Research Institute
Classification: Pathogenic for Severe intellectual disability-progressive spastic diplegia syndrome. Last evaluated: 2023-12-21. Review status: criteria provided, single submitter. Criteria: ACMG Guidelines, 2015. Collection method: clinical testing. Allele origin: germline. Inheritance: Autosomal dominant inheritance. Affected: yes.
Comment: Based on the classification scheme VCGS_Germline_v1.3.4, this variant is classified as Pathogenic. Following criteria are met: 0102 - Loss of function is a known mechanism of disease in this gene and is associated with neurodevelopmental disorder with spastic diplegia and visual defects (MIM#615075), and exudative vitreoretinopathy 7 (MIM#617572). However, somatic variants with a gain of function mechanism have been reported to cause cancer (OMIM). (I) 0107 - This gene is associated with autosomal dominant disease. (I) 0201 - Variant is predicted to cause nonsense-mediated decay (NMD) and loss of protein (premature termination codon is located at least 54 nucleotides upstream of the final exon-exon junction). (SP) 0251 - This variant is heterozygous. (I) 0301 - Variant is absent from gnomAD (both v2 and v3). (SP) 0701 - Other premature termination variants comparable to the one identified in this case have very strong previous evidence for pathogenicity. Many NMD-predicted variants in this gene have been reported as likely pathogenic/pathogenic (ClinVar). (SP) 0801 - This variant has strong previous evidence of pathogenicity in unrelated individuals. It has been reported in at least two individuals with neurodevelopmental disorder (PMIDs: 34558805, 35935366), and as likely pathogenic/pathogenic by multiple clinical testing laboratories (ClinVar). (SP) Legend: (SP) - Supporting pathogenic, (I) - Information, (SB) - Supporting benign

GeneDx
Classification: Pathogenic. Last evaluated: 2023-11-28. Review status: criteria provided, single submitter. Criteria: GeneDx Variant Classification Process June 2021. Collection method: clinical testing. Allele origin: germline. Affected: yes.
Comment: Nonsense variant predicted to result in protein truncation or nonsense mediated decay in a gene for which loss of function is a known mechanism of disease; Not observed at significant frequency in large population cohorts (gnomAD); This variant is associated with the following publications: (PMID: 28856709, 35935366, 34558805, 36083290, 37895192, 36153650)

Dasa
Classification: Pathogenic for Severe intellectual disability-progressive spastic diplegia syndrome. Last evaluated: 2022-11-03. Review status: criteria provided, single submitter. Criteria: ACMG Guidelines, 2015. Collection method: clinical testing. Allele origin: germline. Affected: yes. Observed: 1 variant allele.
Comment: The c.1759C>T;p.(Arg587*) variant creates a premature translational stop signal in the CTNNB1 gene. It is expected to result in an absent or disrupted protein product - PVS1. This sequence change has been observed in affected individual(s) and ClinVar contains an entry for this variant (ClinVar ID: 423482; PMID: 28856709) - PS4. This variant is not present in population databases (rs1064796453, gnomAD; ABraOM no frequency) - PM2. In summary, the currently available evidence indicates that the variant is pathogenic.

Ambry Genetics
Classification: Pathogenic for Inborn genetic diseases. Last evaluated: 2021-01-07. Review status: criteria provided, single submitter. Criteria: Ambry Variant Classification Scheme 2023. Collection method: clinical testing. Allele origin: germline.
Comment: The c.1759C>T (p.R587*) alteration, located in exon 11 (coding exon 10) of the CTNNB1 gene, consists of a C to T substitution at nucleotide position 1759. This changes the amino acid from an arginine (R) to a stop codon at amino acid position 587. In addition to the clinical data presented in the literature, this alteration is expected to result in loss of function by premature protein truncation or nonsense-mediated mRNA decay. Based on data from the Genome Aggregation Database (gnomAD), the CTNNB1 c.1759C>T alteration was not observed, with coverage at this position. This alteration has been determined to be the result of a de novo mutation in two individuals with phenotypes consistent with CTNNB1-related neurodevelopmental disorder (internal data); however, the possibility for germline mosaicism cannot be ruled out. In addition, this alteration was reported de novo in a patient who met criteria for atypical Rett syndrome (Yoo, 2017). Based on the available evidence, this alteration is classified as pathogenic.

Cambridge Genomics Laboratory, East Genomic Laboratory Hub, NHS Genomic Medicine Service
Classification: Pathogenic for Intellectual disability. Last evaluated: 2019-12-19. Review status: criteria provided, single submitter. Criteria: ACGS Best Practice Guidelines for Variant Classification in Rare Disease 2020. Collection method: clinical testing. Allele origin: germline. Affected: yes. Observed: 1 variant allele.

Institute of Human Genetics, University of Leipzig Medical Center
Classification: Likely pathogenic for Severe intellectual disability-progressive spastic diplegia syndrome. Last evaluated: 2019-03-27. Review status: criteria provided, single submitter. Criteria: ACMG Guidelines, 2015. Collection method: clinical testing. Allele origin: germline. Affected: yes. Observed: 1 variant allele.

Imagene.me medical diagnostic laboratory, IMAGENE.ME SA
Classification: Pathogenic for Severe intellectual disability-progressive spastic diplegia syndrome. Review status: criteria provided, single submitter. Criteria: IMAGENE.ME Variant Classification SOP 2022. Collection method: clinical testing. Allele origin: germline. Affected: yes.
Comment: Classified according to the IMAGENE.ME variant classification SOP based on the ACMG guidelines as Pathogenic (P): PVS1 + PM2 + PP5

Cytogénomique, Hospices Civils de Lyon
Classification: Pathogenic for Severe intellectual disability-progressive spastic diplegia syndrome. Review status: no assertion criteria provided. Collection method: clinical testing. Allele origin: de novo. Inheritance: Autosomal dominant inheritance. Affected: yes. Not counted in ClinVar's aggregate classification.

Literature cited by the submitters: PubMed 34558805 (cited by Victorian Clinical Genetics Services, Murdoch Childrens Research Institute); PubMed 35935366 (cited by Victorian Clinical Genetics Services, Murdoch Childrens Research Institute); PubMed 28856709 (cited by Dasa and Ambry Genetics).